The following is an entry in ClinVar:

NM_005245.4(FAT1):c.8957G>A (p.Arg2986Lys)

Genes: FAT1 (FAT atypical cadherin 1; minus strand), LOC126807255 (BRD4-independent group 4 enhancer GRCh37_chr4:187538202-187539401; plus strand). Cytogenetic location: 4q35.2.
Variant type: single nucleotide variant.
Coding change: c.8957G>A on transcript NM_005245.4 (MANE Select); coding-DNA position 8957, G replaced by A.
Protein change: p.Arg2986Lys; replaces arginine 2986 with lysine.
Molecular consequence: missense variant.
Genome position (GRCh38, 1-based): chr4:186,617,123, C>T on the plus strand (G>A on the coding strand, the complement: FAT1 is on the minus strand). VCF-style: chr4-186617123-C-T. GRCh37 (hg19) VCF-style: chr4-187538277-C-T.
Other names: short protein forms R2986K.
Identifiers: ClinVar variation 3277778 (VCV003277778.2).

ClinVar aggregate classification (germline): Uncertain significance (1 of 4 stars; one submission).

Conditions:
Inborn genetic diseases. Identifiers: MedGen C0950123, MeSH D030342.

gnomAD v4.1: 19 of 1,613,722 alleles (0.0012%); highest among the groups gnomAD compares: African/African-American, 0.02%; no homozygotes.

Submission:

Ambry Genetics
Classification: Uncertain significance for Inborn genetic diseases. Last evaluated: 2026-07-19. Review status: criteria provided, single submitter. Criteria: Ambry Variant Classification Scheme 2023. Collection method: clinical testing. Allele origin: germline.
Comment: The c.8957G>A (p.R2986K) alteration is located in exon 11 (coding exon 10) of the FAT1 gene. This alteration results from a G to A substitution at nucleotide position 8957, causing the arginine (R) at amino acid position 2986 to be replaced by a lysine (K). Based on data from gnomAD, the A allele has an overall frequency of 0.002% (5/280244) total alleles studied. The highest observed frequency was 0.021% (5/24140) of African alleles. Based on insufficient or conflicting evidence, the clinical significance of this alteration remains unclear.